The following is an entry in ClinVar:

ClinVar aggregate classification (germline): Pathogenic. Review status: criteria provided, single submitter (1 of 4 stars). 2 submissions from 2 submitters: Pathogenic (1). 1 of the submissions does not count toward it. Last evaluated 2024-01-25.

Conditions:
Fanconi anemia (FA). Also called: Fanconi's anemia. Identifiers: Orphanet 84, MedGen C0015625, MeSH D005199, MONDO:0019391.
Fanconi anemia complementation group A (FANCA). Also called: Fanconi anemia, group A; FANCA-Related Fanconi Anemia. Identifiers: Orphanet 84, MedGen C3469521, MONDO:0009215, OMIM 227650.

Submissions (2):

Labcorp Genetics (formerly Invitae), Labcorp
Classification: Pathogenic for Fanconi anemia. Last evaluated: 2024-01-25. Review status: criteria provided, single submitter. Criteria: Invitae Variant Classification Sherloc (09022015). Collection method: clinical testing. Allele origin: germline.
Comment: This sequence change creates a premature translational stop signal (p.Glu1214Argfs*33) in the FANCA gene. It is expected to result in an absent or disrupted protein product. Loss-of-function variants in FANCA are known to be pathogenic (PMID: 19367192). This variant is not present in population databases (gnomAD no frequency). This premature translational stop signal has been observed in individual(s) with Fanconi anemia (PMID: 10862090). This variant is also known as c.3639delT. ClinVar contains an entry for this variant (Variation ID: 974164). For these reasons, this variant has been classified as Pathogenic.

Leiden Open Variation Database
Classification: Pathogenic for Fanconi anemia complementation group A. Last evaluated: 2020-02-28. Review status: no assertion criteria provided. Collection method: curation. Allele origin: germline. Affected: yes. Not counted in ClinVar's aggregate classification.
Comment: Curator: Arleen D. Auerbach. Submitter to LOVD: Arleen D. Auerbach.

Literature cited by the submitters: PubMed 19367192 (cited by Labcorp Genetics (formerly Invitae), Labcorp); PubMed 10862090 (cited by Labcorp Genetics (formerly Invitae), Labcorp and Leiden Open Variation Database).

NM_000135.4(FANCA):c.3639del (p.Glu1214fs)

Gene: FANCA (FA complementation group A; minus strand). Cytogenetic location: 16q24.3.
Variant type: Deletion.
Coding change: c.3639del on transcript NM_000135.4 (MANE Select); coding-DNA position 3639, one base deleted (T; older notation c.3639delT).
Protein change: p.Glu1214fs; shifts the reading frame from glutamic acid 1214.
Molecular consequence: frameshift variant.
Genome position (GRCh38, 1-based): chr16:89,742,926, A deleted on the plus strand (T on the coding strand, the reverse complement: FANCA is on the minus strand). VCF-style (leftmost placement, unchanged base first): chr16-89742925-CA-C. GRCh37 (hg19) VCF-style: chr16-89809333-CA-C.
Other names: c.3639del, p.Glu1214fs (NM_001286167.3); short protein forms E1214fs.
Identifiers: ClinVar variation 974164 (VCV000974164.6), dbSNP rs2062172051, ClinGen allele CA1139664956.